The following is an entry in ClinVar:

NM_032816.5(CEP89):c.757A>T (p.Met253Leu)

Gene: CEP89 (centrosomal protein 89; minus strand). Cytogenetic location: 19q13.11.
Variant type: single nucleotide variant.
Coding change: c.757A>T on transcript NM_032816.5 (MANE Select); coding-DNA position 757, A replaced by T.
Protein change: p.Met253Leu; replaces methionine 253 with leucine.
Molecular consequence: missense variant.
Genome position (GRCh38, 1-based): chr19:32,933,580, T>A on the plus strand (A>T on the coding strand, the complement: CEP89 is on the minus strand). VCF-style: chr19-32933580-T-A. GRCh37 (hg19) VCF-style: chr19-33424486-T-A.
Other names: short protein forms M253L.
Identifiers: ClinVar variation 1486601 (VCV001486601.6), dbSNP rs149865847, ClinGen allele CA405206051.

ClinVar aggregate classification (germline): Uncertain significance (1 of 4 stars; one submission).

Submission:

Labcorp Genetics (formerly Invitae), Labcorp
Classification: Uncertain significance. Last evaluated: 2021-12-03. Review status: criteria provided, single submitter. Criteria: Invitae Variant Classification Sherloc (09022015). Collection method: clinical testing. Allele origin: germline.
Comment: This sequence change replaces methionine, which is neutral and non-polar, with leucine, which is neutral and non-polar, at codon 253 of the CEP89 protein (p.Met253Leu). This variant is not present in population databases (gnomAD no frequency). This variant has not been reported in the literature in individuals affected with CEP89-related conditions. Algorithms developed to predict the effect of missense changes on protein structure and function (SIFT, PolyPhen-2, Align-GVGD) all suggest that this variant is likely to be tolerated. In summary, the available evidence is currently insufficient to determine the role of this variant in disease. Therefore, it has been classified as a Variant of Uncertain Significance.